The following is an entry in ClinVar:

NM_015087.5(SPART):c.685C>T (p.Gln229Ter)

Gene: SPART (spartin; minus strand). Cytogenetic location: 13q13.3.
Variant type: single nucleotide variant.
Coding change: c.685C>T on transcript NM_015087.5 (MANE Select); coding-DNA position 685, C replaced by T.
Protein change: p.Gln229Ter; replaces glutamine 229 with a stop codon.
Molecular consequence: nonsense.
Genome position (GRCh38, 1-based): chr13:36,335,146, G>A on the plus strand (C>T on the coding strand, the complement: SPART is on the minus strand). VCF-style: chr13-36335146-G-A. GRCh37 (hg19) VCF-style: chr13-36909283-G-A.
Other names: c.685C>T, p.Gln229Ter (NM_001142294.2, NM_001142295.2, NM_001142296.2); short protein forms Q229*.
Identifiers: ClinVar variation 572922 (VCV000572922.5), dbSNP rs748835312, ClinGen allele CA6949600.

ClinVar aggregate classification (germline): Pathogenic/Likely pathogenic. Review status: criteria provided, multiple submitters, no conflicts (2 of 4 stars). 2 submissions from 2 submitters: Pathogenic (1); Likely pathogenic (1). Last evaluated 2025-06-26.

Conditions:
Troyer syndrome (SPG20). Identifiers: Orphanet 101000, MedGen C0393559, MONDO:0010156, OMIM 275900.

Allele frequency attached by ClinVar (database versions not stated): ExAC 0.00001.
gnomAD v4.1: 1 of 1,614,084 alleles (0.000062%); highest among the groups gnomAD compares: Admixed American, 0.0017%; no homozygotes.

Submissions (2):

Variantyx, Inc.
Classification: Likely pathogenic for Troyer syndrome. Last evaluated: 2025-06-26. Review status: criteria provided, single submitter. Criteria: Variantyx Assertion Criteria 2022. Collection method: clinical testing. Allele origin: germline. Inheritance: Autosomal recessive inheritance. Affected: yes.
Comment: This is a nonsense variant in the SPART gene (OMIM: 607111). Pathogenic variants in this gene have been associated with autosomal recessive Troyer syndrome. This variant introduces a premature termination codon in exon 2 out of 9 and is expected to result in loss of function, which is a known disease mechanism for SPART in this disorder (PVS1) (PMID:12134148;20437587). This variant has a 0.0022% maximum allele frequency in non-founder control populations (PM2). Based on the current evidence, this variant is classified as likely pathogenic for autosomal recessive Troyer syndrome.

Labcorp Genetics (formerly Invitae), Labcorp
Classification: Pathogenic. Last evaluated: 2018-05-14. Review status: criteria provided, single submitter. Criteria: Invitae Variant Classification Sherloc (09022015). Collection method: clinical testing. Allele origin: germline.
Comment: This sequence change creates a premature translational stop signal (p.Gln229*) in the SPG20 gene. It is expected to result in an absent or disrupted protein product. This variant is present in population databases (rs748835312, ExAC 0.009%). This variant has not been reported in the literature in individuals with SPG20-related disease. Loss-of-function variants in SPG20 are known to be pathogenic (PMID: 20437587). For these reasons, this variant has been classified as Pathogenic.

Literature cited by the submitters: PubMed 12134148 (cited by Variantyx, Inc.); PubMed 20437587 (cited by Variantyx, Inc. and Labcorp Genetics (formerly Invitae), Labcorp).